The following is an entry in ClinVar:

ClinVar aggregate classification (germline): Pathogenic (1 of 4 stars; one submission).

Conditions:
Arrhythmogenic right ventricular dysplasia 9 (ARVD9). Also called: Arrhythmogenic Right Ventricular Dysplasia/Cardiomyopathy 9; ARRHYTHMOGENIC RIGHT VENTRICULAR DYSPLASIA, FAMILIAL, 9. Identifiers: MedGen C1836906, MONDO:0012180, OMIM 609040.

Submission:

Labcorp Genetics (formerly Invitae), Labcorp
Classification: Pathogenic for Arrhythmogenic right ventricular dysplasia 9. Last evaluated: 2024-10-07. Review status: criteria provided, single submitter. Criteria: Invitae Variant Classification Sherloc (09022015). Collection method: clinical testing. Allele origin: germline.
Comment: This sequence change creates a premature translational stop signal (p.Arg336Lysfs*5) in the PKP2 gene. It is expected to result in an absent or disrupted protein product. Loss-of-function variants in PKP2 are known to be pathogenic (PMID: 15489853, 17041889, 23911551). This variant is present in population databases (no rsID available, gnomAD 0.06%). This variant has not been reported in the literature in individuals affected with PKP2-related conditions. For these reasons, this variant has been classified as Pathogenic.

Literature cited by the submitters: PubMed 15489853; PubMed 17041889; PubMed 23911551.

NM_001005242.3(PKP2):c.1007_1008del (p.Arg336fs)

Gene: PKP2 (plakophilin 2; minus strand). Cytogenetic location: 12p11.21.
Variant type: Microsatellite.
Coding change: c.1007_1008del on transcript NM_001005242.3 (MANE Select); coding-DNA positions 1007 to 1008, 2 bases deleted (GA; older notation c.1007_1008delGA).
Protein change: p.Arg336fs; shifts the reading frame from arginine 336.
Molecular consequence: frameshift variant.
Genome position (GRCh38, 1-based): chr12:32,877,872-32,877,873, TC deleted on the plus strand (GA on the coding strand, the reverse complement: PKP2 is on the minus strand); deleting any 2 consecutive bases within chr12:32,877,872-32,877,877 gives the same sequence; the c. name uses the placement nearest the transcript's 3' end. VCF-style (leftmost placement, unchanged base first): chr12-32877871-TTC-T. GRCh37 (hg19) VCF-style: chr12-33030805-TTC-T.
Other names: c.1007_1008del, p.Arg336fs (NM_001407155.1, NM_001407156.1, NM_001407157.1 and 2 more transcripts); c.680_681del, p.Arg227fs (NM_001407158.1, NM_001407159.1, NM_001407160.1 and 1 more transcripts); short protein forms R336fs, R227fs.
Identifiers: ClinVar variation 3688695 (VCV003688695.2).